The following is an entry in ClinVar:

ClinVar aggregate classification (germline): Uncertain significance (1 of 4 stars; one submission).

Conditions:
Primary ciliary dyskinesia. Also called: Ciliary dyskinesia. Identifiers: Orphanet 244, MedGen C0008780, MONDO:0016575, HP:0012265.

Allele frequency attached by ClinVar (database versions not stated): gnomAD exomes 0.00001; TOPMed 0.00003; gnomAD 0.00004.
gnomAD v4.1: 21 of 1,613,780 alleles (0.0013%); highest among the groups gnomAD compares: Non-Finnish European, 0.0017%; no homozygotes.

Submission:

Labcorp Genetics (formerly Invitae), Labcorp
Classification: Uncertain significance for Primary ciliary dyskinesia. Last evaluated: 2025-12-17. Review status: criteria provided, single submitter. Criteria: Invitae Variant Classification Sherloc (09022015). Collection method: clinical testing. Allele origin: germline.
Comment: This sequence change replaces aspartic acid, which is acidic and polar, with glycine, which is neutral and non-polar, at codon 81 of the DNAAF3 protein (p.Asp81Gly). This variant is present in population databases (no rsID available, gnomAD 0.002%). This variant has not been reported in the literature in individuals affected with DNAAF3-related conditions. ClinVar contains an entry for this variant (Variation ID: 934201). An algorithm developed to predict the effect of missense changes on protein structure and function outputs the following: PolyPhen-2: "Benign". The glycine amino acid residue is found in multiple mammalian species, which suggests that this missense change does not adversely affect protein function. Algorithms developed to predict the effect of sequence changes on RNA splicing suggest that this variant may create or strengthen a splice site. In summary, the available evidence is currently insufficient to determine the role of this variant in disease. Therefore, it has been classified as a Variant of Uncertain Significance.

NM_001256715.2(DNAAF3):c.86-48A>G

Genes: DNAAF3 (dynein axonemal assembly factor 3; minus strand), DNAAF3-AS1 (DNAAF3 antisense RNA 1; plus strand). Cytogenetic location: 19q13.42.
Variant type: single nucleotide variant.
Coding change: c.86-48A>G on transcript NM_001256715.2 (MANE Select); 48 bases into the intron before coding-DNA position 86, A replaced by G.
Molecular consequence: intron variant. On other transcripts: missense variant (1).
Genome position (GRCh38, 1-based): chr19:55,166,048, T>C on the plus strand (A>G on the coding strand, the complement: DNAAF3 is on the minus strand). VCF-style: chr19-55166048-T-C. GRCh37 (hg19) VCF-style: chr19-55677416-T-C.
Other names: c.227-48A>G (NM_178837.4); c.-153-48A>G (NM_001256716.2); c.242A>G, p.Asp81Gly (NM_001256714.1); short protein forms D81G.
Identifiers: ClinVar variation 934201 (VCV000934201.2), dbSNP rs1483874945, ClinGen allele CA407462126.